The following is an entry in ClinVar:

ClinVar aggregate classification (germline): Uncertain significance (1 of 4 stars; one submission).

Conditions:
Familial cold autoinflammatory syndrome 3 (FCAS3). Also called: FAMILIAL ATYPICAL COLD URTICARIA; ANTIBODY DEFICIENCY AND IMMUNE DYSREGULATION, PLCG2-ASSOCIATED. Identifiers: Orphanet 300359, MedGen C3280914, MONDO:0013766, OMIM 614468.

gnomAD v4.1: 24 of 1,613,868 alleles (0.0015%); highest among the groups gnomAD compares: South Asian, 0.024%; no homozygotes.

Submission:

Labcorp Genetics (formerly Invitae), Labcorp
Classification: Uncertain significance for Familial cold autoinflammatory syndrome 3. Last evaluated: 2024-12-05. Review status: criteria provided, single submitter. Criteria: Invitae Variant Classification Sherloc (09022015). Collection method: clinical testing. Allele origin: germline.
Comment: This sequence change replaces glutamic acid, which is acidic and polar, with aspartic acid, which is acidic and polar, at codon 553 of the PLCG2 protein (p.Glu553Asp). This variant is present in population databases (rs757363172, gnomAD 0.03%). This variant has not been reported in the literature in individuals affected with PLCG2-related conditions. An algorithm developed to predict the effect of missense changes on protein structure and function (PolyPhen-2) suggests that this variant is likely to be disruptive. In summary, the available evidence is currently insufficient to determine the role of this variant in disease. Therefore, it has been classified as a Variant of Uncertain Significance.

NM_002661.5(PLCG2):c.1659G>C (p.Glu553Asp)

Gene: PLCG2 (phospholipase C gamma 2; plus strand). Cytogenetic location: 16q23.3.
Variant type: single nucleotide variant.
Coding change: c.1659G>C on transcript NM_002661.5 (MANE Select); coding-DNA position 1659, G replaced by C.
Protein change: p.Glu553Asp; replaces glutamic acid 553 with aspartic acid.
Molecular consequence: missense variant.
Genome position (GRCh38, 1-based): chr16:81,908,517, G>C. VCF-style: chr16-81908517-G-C. GRCh37 (hg19) VCF-style: chr16-81942122-G-C.
Other names: c.1659G>C, p.Glu553Asp (NM_001425749.1, NM_001425750.1, NM_001425751.1); short protein forms E553D.
Identifiers: ClinVar variation 3696819 (VCV003696819.2).
Genomic context (GRCh38, chr16:81,908,517, plus strand): 5'-CCACAAGAAGGTGGAGAAGAGGACGAGTGCCGAGAAGTTGCTGCAGGAATACTGCATGGA[G>C]ACGGGGGGCAAGGATGGCACCTTCCTGGTTCGGGAGAGCGAGACCTTCCCCAATGACTAC-3'
Protein context (NP_002652.2, residues 543-563): AEKLLQEYCM[Glu553Asp]TGGKDGTFLV